The following is an entry in ClinVar:

NM_015978.3(TNNI3K):c.691C>G (p.Gln231Glu)

Genes: FPGT-TNNI3K (FPGT-TNNI3K readthrough; plus strand), TNNI3K (TNNI3 interacting kinase; plus strand). Cytogenetic location: 1p31.1.
Variant type: single nucleotide variant.
Coding change: c.691C>G on transcript NM_015978.3 (MANE Select); coding-DNA position 691, C replaced by G.
Protein change: p.Gln231Glu; replaces glutamine 231 with glutamic acid.
Molecular consequence: missense variant.
Genome position (GRCh38, 1-based): chr1:74,342,850, C>G. VCF-style: chr1-74342850-C-G. GRCh37 (hg19) VCF-style: chr1-74808534-C-G.
Other names: c.994C>G, p.Gln332Glu (NM_001112808.3, NM_001199327.2); short protein forms Q231E, Q332E.
Identifiers: ClinVar variation 4771820 (VCV004771820.1).

ClinVar aggregate classification (germline): Uncertain significance (1 of 4 stars; one submission).

gnomAD v4.1: 3 of 1,613,542 alleles (0.00019%); highest among the groups gnomAD compares: Non-Finnish European, 0.00025%; no homozygotes.

Submission:

Labcorp Genetics (formerly Invitae), Labcorp
Classification: Uncertain significance. Last evaluated: 2025-11-11. Review status: criteria provided, single submitter. Criteria: Invitae Variant Classification Sherloc (09022015). Collection method: clinical testing. Allele origin: germline.
Comment: This sequence change replaces glutamine, which is neutral and polar, with glutamic acid, which is acidic and polar, at codon 231 of the TNNI3K protein (p.Gln231Glu). This variant is not present in population databases (gnomAD no frequency). This variant has not been reported in the literature in individuals affected with TNNI3K-related conditions. Invitae Evidence Modeling of protein sequence and biophysical properties (such as structural, functional, and spatial information, amino acid conservation, physicochemical variation, residue mobility, and thermodynamic stability) indicates that this missense variant is not expected to disrupt TNNI3K protein function with a negative predictive value of 80%. In summary, the available evidence is currently insufficient to determine the role of this variant in disease. Therefore, it has been classified as a Variant of Uncertain Significance.